The following is an entry in ClinVar:

NM_001999.4(FBN2):c.4559G>T (p.Gly1520Val)

Gene: FBN2 (fibrillin 2; minus strand). Cytogenetic location: 5q23.3.
Variant type: single nucleotide variant.
Coding change: c.4559G>T on transcript NM_001999.4 (MANE Select); coding-DNA position 4559, G replaced by T.
Protein change: p.Gly1520Val; replaces glycine 1520 with valine.
Molecular consequence: missense variant.
Genome position (GRCh38, 1-based): chr5:128,318,914, C>A on the plus strand (G>T on the coding strand, the complement: FBN2 is on the minus strand). VCF-style: chr5-128318914-C-A. GRCh37 (hg19) VCF-style: chr5-127654606-C-A.
Other names: short protein forms G1520V.
Identifiers: ClinVar variation 263332 (VCV000263332.8), dbSNP rs886038767, ClinGen allele CA10587608.

ClinVar aggregate classification (germline): Uncertain significance. Review status: criteria provided, multiple submitters, no conflicts (2 of 4 stars). 3 submissions from 3 submitters: Uncertain significance (3). Last evaluated 2025-08-07.

Conditions:
Familial thoracic aortic aneurysm and aortic dissection (TAAD). Also called: Thoracic aortic aneurysms and dissections. Identifiers: Orphanet 91387, MedGen C4707243, MONDO:0019625.
Macular degeneration, early-onset (EOMD). Identifiers: MedGen C4015286, MONDO:0014501, OMIM 616118.
Congenital contractural arachnodactyly (CCA). Also called: BEALS SYNDROME; Beals-Hecht syndrome; Arthrogryposis, distal, type 9. Identifiers: Orphanet 115, MedGen C0220668, MONDO:0007363, OMIM 121050.

Submissions (3):

GeneDx
Classification: Uncertain significance. Last evaluated: 2025-08-07. Review status: criteria provided, single submitter. Criteria: GeneDx Variant Classification Process June 2021. Collection method: clinical testing. Allele origin: germline. Affected: yes.
Comment: Not observed at significant frequency in large population cohorts (gnomAD); In silico analysis supports that this missense variant has a deleterious effect on protein structure/function; Has not been previously published as pathogenic or benign to our knowledge

Ambry Genetics
Classification: Uncertain significance for Familial thoracic aortic aneurysm and aortic dissection. Last evaluated: 2018-06-13. Review status: criteria provided, single submitter. Criteria: Ambry Variant Classification Scheme 2023. Collection method: clinical testing. Allele origin: germline.
Comment: The p.G1520V variant (also known as c.4559G>T), located in coding exon 35 of the FBN2 gene, results from a G to T substitution at nucleotide position 4559. The glycine at codon 1520 is replaced by valine, an amino acid with dissimilar properties. This amino acid position is highly conserved in available vertebrate species. In addition, this alteration is predicted to be deleterious by in silico analysis. Since supporting evidence is limited at this time, the clinical significance of this alteration remains unclear.

Center for Genomics, Ann and Robert H. Lurie Children's Hospital of Chicago
Classification: Uncertain significance for Congenital contractural arachnodactyly; Macular degeneration, early-onset. Review status: criteria provided, single submitter. Criteria: ACMG Guidelines, 2015. Collection method: clinical testing. Allele origin: germline.
Comment: FBN2 NM_001999.4 exon 35 p.Gly1520Val (c.4559G>T):This variant has not been reported in the literature and is not present in large control databases. This variant is present in ClinVar (Variation ID:263332). Evolutionary conservation and computational predictive tools suggest that this variant may impact the protein. In summary, data on this variant is insufficient for disease classification. Therefore, the clinical significance of this variant is uncertain.